The following is an entry in ClinVar:

ClinVar aggregate classification (germline): Uncertain significance. Review status: criteria provided, multiple submitters, no conflicts (2 of 4 stars). 2 submissions from 2 submitters: Uncertain significance (2). Last evaluated 2022-06-10.

Allele frequency attached by ClinVar (database versions not stated): gnomAD exomes below 0.00001; TOPMed 0.00002; gnomAD 0.00003.
gnomAD v4.1: 8 of 1,605,720 alleles (0.0005%); highest among the groups gnomAD compares: African/African-American, 0.0081%; no homozygotes.

Submissions (2):

Labcorp Genetics (formerly Invitae), Labcorp
Classification: Uncertain significance. Last evaluated: 2022-06-10. Review status: criteria provided, single submitter. Criteria: Invitae Variant Classification Sherloc (09022015). Collection method: clinical testing. Allele origin: germline.
Comment: The frequency data for this variant in the population databases is considered unreliable, as metrics indicate poor data quality at this position in the gnomAD database. This sequence change replaces lysine, which is basic and polar, with arginine, which is basic and polar, at codon 238 of the KIAA0753 protein (p.Lys238Arg). This variant has not been reported in the literature in individuals affected with KIAA0753-related conditions. Algorithms developed to predict the effect of missense changes on protein structure and function (SIFT, PolyPhen-2, Align-GVGD) all suggest that this variant is likely to be tolerated. In summary, the available evidence is currently insufficient to determine the role of this variant in disease. Therefore, it has been classified as a Variant of Uncertain Significance.

Blueprint Genetics
Classification: Uncertain significance. Last evaluated: 2022-02-16. Review status: criteria provided, single submitter. Criteria: ACMG Guidelines, 2015. Collection method: clinical testing. Allele origin: germline.

NM_014804.3(KIAA0753):c.713A>G (p.Lys238Arg)

Gene: KIAA0753 (KIAA0753; minus strand). Cytogenetic location: 17p13.1.
Variant type: single nucleotide variant.
Coding change: c.713A>G on transcript NM_014804.3 (MANE Select); coding-DNA position 713, A replaced by G.
Protein change: p.Lys238Arg; replaces lysine 238 with arginine.
Molecular consequence: missense variant. On other transcripts: 5 prime UTR variant (1), non-coding transcript variant (3).
Genome position (GRCh38, 1-based): chr17:6,628,122, T>C on the plus strand (A>G on the coding strand, the complement: KIAA0753 is on the minus strand). VCF-style: chr17-6628122-T-C. GRCh37 (hg19) VCF-style: chr17-6531442-T-C.
Other names: c.-522A>G (NM_001351225.2); short protein forms K238R.
Identifiers: ClinVar variation 2187378 (VCV002187378.3), dbSNP rs1437638097, ClinGen allele CA397414300.